The following is an entry in ClinVar:

NM_007186.6(CEP250):c.2254C>T (p.Arg752Trp)

Genes: CEP250 (centrosomal protein 250; plus strand), CEP250-AS1 (CEP250 antisense RNA 1; minus strand). Cytogenetic location: 20q11.22.
Variant type: single nucleotide variant.
Coding change: c.2254C>T on transcript NM_007186.6 (MANE Select); coding-DNA position 2254, C replaced by T.
Protein change: p.Arg752Trp; replaces arginine 752 with tryptophan.
Molecular consequence: missense variant.
Genome position (GRCh38, 1-based): chr20:35,479,390, C>T. VCF-style: chr20-35479390-C-T. GRCh37 (hg19) VCF-style: chr20-34067215-C-T.
Other names: c.358C>T, p.Arg120Trp (NM_001318219.1); short protein forms R120W, R752W.
Identifiers: ClinVar variation 1008052 (VCV001008052.6), dbSNP rs114785942, ClinGen allele CA9833137.

ClinVar aggregate classification (germline): Uncertain significance. Review status: criteria provided, multiple submitters, no conflicts (2 of 4 stars). 3 submissions from 3 submitters: Uncertain significance (3). Last evaluated 2024-03-20.

Conditions:
Cone-rod dystrophy and hearing loss 2 (CRDHL2). Identifiers: MedGen C5193051, MONDO:0020780, OMIM 618358.

Allele frequency attached by ClinVar (database versions not stated): gnomAD 0.00004 and 0.00005; gnomAD exomes 0.00004 and 0.00012; ExAC 0.00005; ESP Exome Variant Server 0.00008; TOPMed 0.00012; 1000 Genomes Project 30x 0.00016; 1000 Genomes Project 0.00020.
gnomAD v4.1: 64 of 1,614,080 alleles (0.004%); highest among the groups gnomAD compares: Admixed American, 0.043%; no homozygotes.

Submissions (3):

Fulgent Genetics
Classification: Uncertain significance for Cone-rod dystrophy and hearing loss 2. Last evaluated: 2024-03-20. Review status: criteria provided, single submitter. Criteria: ACMG Guidelines, 2015. Collection method: clinical testing. Allele origin: germline.

Labcorp Genetics (formerly Invitae), Labcorp
Classification: Uncertain significance. Last evaluated: 2022-10-13. Review status: criteria provided, single submitter. Criteria: Invitae Variant Classification Sherloc (09022015). Collection method: clinical testing. Allele origin: germline.
Comment: This sequence change replaces arginine, which is basic and polar, with tryptophan, which is neutral and slightly polar, at codon 752 of the CEP250 protein (p.Arg752Trp). This variant is present in population databases (rs114785942, gnomAD 0.05%). This variant has not been reported in the literature in individuals affected with CEP250-related conditions. ClinVar contains an entry for this variant (Variation ID: 1008052). Algorithms developed to predict the effect of missense changes on protein structure and function are either unavailable or do not agree on the potential impact of this missense change (SIFT: "Not Available"; PolyPhen-2: "Probably Damaging"; Align-GVGD: "Not Available"). In summary, the available evidence is currently insufficient to determine the role of this variant in disease. Therefore, it has been classified as a Variant of Uncertain Significance.

Blueprint Genetics
Classification: Uncertain significance. Last evaluated: 2022-06-13. Review status: criteria provided, single submitter. Criteria: ACMG Guidelines, 2015. Collection method: clinical testing. Allele origin: germline.